The following is an entry in ClinVar:

ClinVar aggregate classification (germline): Uncertain significance (1 of 4 stars; one submission).

Allele frequency attached by ClinVar (database versions not stated): gnomAD exomes below 0.00001; TOPMed below 0.00001; gnomAD 0.00002.
gnomAD v4.1: 7 of 1,575,720 alleles (0.00044%); highest among the groups gnomAD compares: Middle Eastern, 0.033%; no homozygotes.

Submission:

Labcorp Genetics (formerly Invitae), Labcorp
Classification: Uncertain significance. Last evaluated: 2022-06-09. Review status: criteria provided, single submitter. Criteria: Invitae Variant Classification Sherloc (09022015). Collection method: clinical testing. Allele origin: germline.
Comment: This sequence change falls in intron 29 of the COL27A1 gene. It does not directly change the encoded amino acid sequence of the COL27A1 protein. It affects a nucleotide within the consensus splice site. This variant is present in population databases (no rsID available, gnomAD 0.001%). This variant has not been reported in the literature in individuals affected with COL27A1-related conditions. Variants that disrupt the consensus splice site are a relatively common cause of aberrant splicing (PMID: 17576681, 9536098). Algorithms developed to predict the effect of sequence changes on RNA splicing suggest that this variant is not likely to affect RNA splicing. In summary, the available evidence is currently insufficient to determine the role of this variant in disease. Therefore, it has been classified as a Variant of Uncertain Significance.

Literature cited by the submitters: PubMed 17576681; PubMed 9536098.

NM_032888.4(COL27A1):c.3249+4C>T

Gene: COL27A1 (collagen type XXVII alpha 1 chain; plus strand). Cytogenetic location: 9q32.
Variant type: single nucleotide variant.
Coding change: c.3249+4C>T on transcript NM_032888.4 (MANE Select); 4 bases into the intron after coding-DNA position 3249, C replaced by T.
Molecular consequence: intron variant.
Genome position (GRCh38, 1-based): chr9:114,264,412, C>T. VCF-style: chr9-114264412-C-T. GRCh37 (hg19) VCF-style: chr9-117026692-C-T.
Identifiers: ClinVar variation 2159692 (VCV002159692.1), dbSNP rs1004293440, ClinGen allele CA198648459.